The following is an entry in ClinVar:

ClinVar aggregate classification (germline): Likely benign (0 of 4 stars; one submission).

Conditions:
NT5E-related disorder. Also called: NT5E-related condition.

Allele frequency attached by ClinVar (database versions not stated): gnomAD exomes 0.00001; ExAC 0.00003; TOPMed 0.00006; gnomAD 0.00007; 1000 Genomes Project 0.00040; 1000 Genomes Project 30x 0.00047.

Submission:

PreventionGenetics, part of Exact Sciences
Classification: Likely benign for NT5E-related condition. Last evaluated: 2019-10-29. Review status: no assertion criteria provided. Collection method: clinical testing. Allele origin: germline.
Comment: This variant is classified as likely benign based on ACMG/AMP sequence variant interpretation guidelines (Richards et al. 2015 PMID: 25741868, with internal and published modifications).

NM_002526.4(NT5E):c.1278A>G (p.Leu426=)

Gene: NT5E (5'-nucleotidase ecto; plus strand). Cytogenetic location: 6q14.3.
Variant type: single nucleotide variant.
Coding change: c.1278A>G on transcript NM_002526.4 (MANE Select); coding-DNA position 1278, A replaced by G.
Protein change: p.Leu426=; no amino-acid change (leucine 426 retained).
Molecular consequence: synonymous variant. On other transcripts: intron variant (1).
Genome position (GRCh38, 1-based): chr6:85,490,575, A>G. VCF-style: chr6-85490575-A-G. GRCh37 (hg19) VCF-style: chr6-86200293-A-G.
Other names: c.1210+976A>G (NM_001204813.2).
Identifiers: ClinVar variation 3045532 (VCV003045532.2), dbSNP rs555091279, ClinGen allele CA3911561.
Genomic context (GRCh38, chr6:85,490,575, plus strand): 5'-TACCTGGGAGAACCTGGCTGCTGTATTGCCCTTTGGAGGCACATTTGACCTAGTCCAGTT[A>G]AAAGGTTCCACCCTGAAGAAGGCCTTTGAGCATAGCGTGCACCGCTACGGCCAGTCCACT-3'
Protein context (NP_002517.1, residues 416-436): PFGGTFDLVQ[Leu426=]KGSTLKKAFE